The following is an entry in ClinVar:

NM_001012426.2(FOXP4):c.373C>T (p.Pro125Ser)

Gene: FOXP4 (forkhead box P4; plus strand). Cytogenetic location: 6p21.1.
Variant type: single nucleotide variant.
Coding change: c.373C>T on transcript NM_001012426.2 (MANE Select); coding-DNA position 373, C replaced by T.
Protein change: p.Pro125Ser; replaces proline 125 with serine.
Molecular consequence: missense variant.
Genome position (GRCh38, 1-based): chr6:41,584,841, C>T. VCF-style: chr6-41584841-C-T. GRCh37 (hg19) VCF-style: chr6-41552579-C-T.
Other names: c.373C>T, p.Pro125Ser (NM_001012427.2, NM_001405824.1, NM_138457.3); c.277C>T, p.Pro93Ser (NM_001405825.1, NM_001405826.1); short protein forms P125S, P93S.
Identifiers: ClinVar variation 3573644 (VCV003573644.1).
Genomic context (GRCh38, chr6:41,584,841, plus strand): 5'-GTGGCCATGATGTCGCCGCAGATGCTTACCCCGCAACAGATGCAGCAGATCCTGTCGCCC[C>T]CGCAGCTGCAGGCCTTGCTCCAGCAGCAGCAAGCCCTCATGCTCCAGCAGGTGAGTCTGG-3'
Protein context (NP_001012426.1, residues 115-135): PQQMQQILSP[Pro125Ser]QLQALLQQQQ

ClinVar aggregate classification (germline): Uncertain significance (1 of 4 stars; one submission).

Submission:

GeneDx
Classification: Uncertain significance. Last evaluated: 2024-07-15. Review status: criteria provided, single submitter. Criteria: GeneDx Variant Classification Process June 2021. Collection method: clinical testing. Allele origin: germline. Affected: yes.
Comment: Not observed at significant frequency in large population cohorts (gnomAD); In silico analysis indicates that this missense variant does not alter protein structure/function; Has not been previously published as pathogenic or benign to our knowledge